The following is an entry in ClinVar:

NM_001750.7(CAST):c.358AAG[1] (p.Lys121del)

Gene: CAST (calpastatin; plus strand). Cytogenetic location: 5q15.
Variant type: Microsatellite.
Coding change: c.358AAG[1] on transcript NM_001750.7 (MANE Select); one copy of the 3-base unit AAG starting at c.358; the reference has two copies in a row; one copy, 3 bases deleted.
Protein change: p.Lys121del; deletes lysine 121.
Molecular consequence: inframe deletion. On other transcripts: inframe indel (1).
Genome position (GRCh38, 1-based): chr5:96,727,513-96,727,515, AAG deleted; deleting any 3 consecutive bases within chr5:96,727,508-96,727,515 gives the same sequence; the position shown is the placement nearest the transcript's 3' end. VCF-style (leftmost placement, unchanged base first): chr5-96727507-GAGA-G. GRCh37 (hg19) VCF-style: chr5-96063211-GAGA-G.
Other names: c.292AAG[1], p.Lys99del (NM_001042440.5, NM_001042442.3, NM_001330627.2); c.358AAG[1], p.Lys121del (NM_001042441.3, NM_001330626.2); c.109AAG[1], p.Lys38del (NM_001042443.3, NM_001190442.2, NM_001330631.2 and 2 more transcripts); c.43AAG[1], p.Lys16del (NM_001042444.3, NM_001042445.3, NM_001042446.3 and 5 more transcripts); c.292_294AAG[1], p.Lys99del (NM_001329966.1); c.247AAG[1], p.Lys84del (NM_001330628.2, NM_001375317.1); c.313AAG[1], p.Lys106del (NM_001330629.2); short protein forms K121del, K16del, K38del, K84del, K106del, K99del.
Identifiers: ClinVar variation 2191275 (VCV002191275.4), dbSNP rs770850413, ClinGen allele CA3350792.

ClinVar aggregate classification (germline): Uncertain significance (1 of 4 stars; one submission).

Submission:

Labcorp Genetics (formerly Invitae), Labcorp
Classification: Uncertain significance. Last evaluated: 2022-09-23. Review status: criteria provided, single submitter. Criteria: Invitae Variant Classification Sherloc (09022015). Collection method: clinical testing. Allele origin: germline.
Comment: This variant is present in population databases (rs770850413, gnomAD 0.001%). This variant has not been reported in the literature in individuals affected with CAST-related conditions. Experimental studies and prediction algorithms are not available or were not evaluated, and the functional significance of this variant is currently unknown. In summary, the available evidence is currently insufficient to determine the role of this variant in disease. Therefore, it has been classified as a Variant of Uncertain Significance. This variant, c.295_297del, results in the deletion of 1 amino acid(s) of the CAST protein (p.Lys99del), but otherwise preserves the integrity of the reading frame.